The following is an entry in ClinVar:

ClinVar aggregate classification (germline): Pathogenic (1 of 4 stars; one submission).

Conditions:
Hereditary cancer-predisposing syndrome. Also called: Hereditary Cancer Syndrome; Hereditary neoplastic syndrome; Neoplastic Syndromes, Hereditary; Tumor predisposition. Identifiers: Orphanet 140162, MedGen C0027672, MeSH D009386, MONDO:0015356.

Submission:

Ambry Genetics
Classification: Pathogenic for Hereditary cancer-predisposing syndrome. Last evaluated: 2025-08-21. Review status: criteria provided, single submitter. Criteria: Ambry Variant Classification Scheme 2023. Collection method: clinical testing. Allele origin: germline.
Comment: The c.4411delA pathogenic mutation, located in coding exon 10 of the BRCA2 gene, results from a deletion of one nucleotide at nucleotide position 4411, causing a translational frameshift with a predicted alternate stop codon (p.R1471Efs*8). This variant is considered to be rare based on population cohorts in the Genome Aggregation Database (gnomAD). This alteration is expected to result in loss of function by premature protein truncation or nonsense-mediated mRNA decay. As such, this alteration is interpreted as a disease-causing mutation.

NM_000059.4(BRCA2):c.4411del (p.Arg1471fs)

Gene: BRCA2 (BRCA2 DNA repair associated; plus strand). Cytogenetic location: 13q13.1.
Variant type: Deletion.
Coding change: c.4411del on transcript NM_000059.4 (MANE Select); coding-DNA position 4411, one base deleted (A; older notation c.4411delA).
Protein change: p.Arg1471fs; shifts the reading frame from arginine 1471.
Molecular consequence: frameshift variant. On other transcripts: non-coding transcript variant (1), intron variant (2).
Genome position (GRCh38, 1-based): chr13:32,338,766, A deleted; the last of 2 consecutive A bases (chr13:32,338,765-32,338,766); deleting either gives the same sequence. VCF-style (leftmost placement, unchanged base first): chr13-32338764-TA-T. GRCh37 (hg19) VCF-style: chr13-32912901-TA-T.
Other names: c.4411del, p.Arg1471fs (NM_001406719.1, NM_001406720.1, NM_001432077.1); c.1909+5379del (NM_001406721.1); c.425-5792del (NM_001406722.1); short protein forms R1471fs.
Identifiers: ClinVar variation 4215920 (VCV004215920.1).